The following is an entry in ClinVar:

ClinVar aggregate classification (germline): Likely pathogenic (1 of 4 stars; one submission).

Conditions:
Spastic paraplegia. Identifiers: MedGen C0037772, HP:0001258.

gnomAD v4.1: 2 of 1,614,244 alleles (0.00012%); highest among the groups gnomAD compares: Non-Finnish European, 0.00017%; no homozygotes.

Submission:

Labcorp Genetics (formerly Invitae), Labcorp
Classification: Likely pathogenic for Spastic paraplegia. Last evaluated: 2023-05-01. Review status: criteria provided, single submitter. Criteria: Invitae Variant Classification Sherloc (09022015). Collection method: clinical testing. Allele origin: germline.
Comment: In summary, the currently available evidence indicates that the variant is pathogenic, but additional data are needed to prove that conclusively. Therefore, this variant has been classified as Likely Pathogenic. Algorithms developed to predict the effect of sequence changes on RNA splicing suggest that this variant may disrupt the consensus splice site. This variant has not been reported in the literature in individuals affected with B4GALNT1-related conditions. This variant is not present in population databases (gnomAD no frequency). This sequence change affects a donor splice site in intron 6 of the B4GALNT1 gene. It is expected to disrupt RNA splicing. Variants that disrupt the donor or acceptor splice site typically lead to a loss of protein function (PMID: 16199547), and loss-of-function variants in B4GALNT1 are known to be pathogenic (PMID: 23746551).

Literature cited by the submitters: PubMed 16199547; PubMed 23746551.

NM_001478.5(B4GALNT1):c.712+1G>A

Gene: B4GALNT1 (beta-1,4-N-acetyl-galactosaminyltransferase 1; minus strand). Cytogenetic location: 12q13.3.
Variant type: single nucleotide variant.
Coding change: c.712+1G>A on transcript NM_001478.5 (MANE Select); the canonical splice donor site of the intron after coding-DNA position 712, G replaced by A.
Molecular consequence: splice donor variant. On other transcripts: missense variant (1).
Genome position (GRCh38, 1-based): chr12:57,630,151, C>T on the plus strand (G>A on the coding strand, the complement: B4GALNT1 is on the minus strand). VCF-style: chr12-57630151-C-T. GRCh37 (hg19) VCF-style: chr12-58023934-C-T.
Other names: c.713G>A, p.Gly238Asp (NM_001276469.2); c.547+1G>A (NM_001413978.1, NM_001276468.2); c.-276+1G>A (NM_001413984.1, NM_001413982.1, NM_001413981.1 and 1 more transcripts); c.712+1G>A (NM_001413977.1, NM_001413970.1, NM_001413968.1 and 8 more transcripts); short protein forms G238D.
Identifiers: ClinVar variation 2861081 (VCV002861081.3), dbSNP rs774736480, ClinGen allele CA385499414.